The following is an entry in ClinVar:

NM_000051.4(ATM):c.5549del (p.Leu1850fs)

Gene: ATM (ATM serine/threonine kinase; plus strand). Cytogenetic location: 11q22.3.
Variant type: Deletion.
Coding change: c.5549del on transcript NM_000051.4 (MANE Select); coding-DNA position 5549, one base deleted (T; older notation c.5549delT).
Protein change: p.Leu1850fs; shifts the reading frame from leucine 1850.
Molecular consequence: frameshift variant.
Genome position (GRCh38, 1-based): chr11:108,304,727, T deleted; the last of 4 consecutive T bases (chr11:108,304,724-108,304,727); deleting any one gives the same sequence. VCF-style (leftmost placement, unchanged base first): chr11-108304723-AT-A. GRCh37 (hg19) VCF-style: chr11-108175450-AT-A.
Other names: c.5549delT (NM_000051.3); c.5549del, p.Leu1850fs (NM_001351834.2); short protein forms L1850fs.
Identifiers: ClinVar variation 229942 (VCV000229942.25), dbSNP rs876658287, ClinGen allele CA6265726.
Genomic context (GRCh38, chr11:108,304,723, plus strand): 5'-TGTATATTCTAGGTGAAAACTGACTTTTGTCAGACTGTACTTCCATACTTGATTCATGAT[AT>A]TTTACTCCAAGATACAAATGAATCATGGAGAAATCTGCTTTCTACACATGTTCAGGGATT-3'

ClinVar aggregate classification (germline): Pathogenic. Review status: criteria provided, multiple submitters, no conflicts (2 of 4 stars). 8 submissions from 8 submitters: Pathogenic (7). 1 of the submissions does not count toward it. Last evaluated 2025-12-22.

Conditions:
Hereditary cancer-predisposing syndrome. Also called: Hereditary Cancer Syndrome; Neoplastic Syndromes, Hereditary; Tumor predisposition; Hereditary neoplastic syndrome. Identifiers: Orphanet 140162, MedGen C0027672, MeSH D009386, MONDO:0015356.
Familial cancer of breast. Also called: Hereditary breast cancer; hereditary breast carcinoma; BREAST CANCER, FAMILIAL. Identifiers: Orphanet 227535, MedGen C0346153, MONDO:0016419, OMIM 114480. Disease mechanism: loss of function.
Ataxia-telangiectasia syndrome (AT). Also called: Ataxia telangiectasia (A-T); Ataxia-telangiectasia, complementation group E; LOUIS-BAR SYNDROME; Cerebello-oculocutaneous telangiectasia; Immunodeficiency with ataxia telangiectasia; Ataxia-telangiectasia, complementation group D. Identifiers: Orphanet 100, MedGen C0004135, MONDO:0008840, OMIM 208900.

Submissions (8):

Labcorp Genetics (formerly Invitae), Labcorp
Classification: Pathogenic for Ataxia-telangiectasia syndrome. Last evaluated: 2025-12-22. Review status: criteria provided, single submitter. Criteria: Invitae Variant Classification Sherloc (09022015). Collection method: clinical testing. Allele origin: germline.
Comment: This sequence change creates a premature translational stop signal (p.Leu1850Tyrfs*67) in the ATM gene. It is expected to result in an absent or disrupted protein product. Loss-of-function variants in ATM are known to be pathogenic (PMID: 23807571, 25614872). This variant is present in population databases (rs750992549, gnomAD 0.0009%). This premature translational stop signal has been observed in individual(s) with ataxia-telangiectasia (PMID: 9887333, 10817650, 16266405). This variant is also known as 5546delT. ClinVar contains an entry for this variant (Variation ID: 229942). For these reasons, this variant has been classified as Pathogenic.

Institute of Human Genetics, University of Leipzig Medical Center
Classification: Pathogenic for Familial cancer of breast. Last evaluated: 2024-08-22. Review status: criteria provided, single submitter. Criteria: ACMG Guidelines, 2015. Collection method: clinical testing. Allele origin: unknown. Inheritance: Autosomal dominant inheritance. Affected: yes.
Comment: Criteria applied: PVS1,PM2_SUP, PM3_SUP

Ambry Genetics
Classification: Pathogenic for Hereditary cancer-predisposing syndrome. Last evaluated: 2024-08-21. Review status: criteria provided, single submitter. Criteria: Ambry Variant Classification Scheme 2023. Collection method: clinical testing. Allele origin: germline.
Comment: The c.5549delT pathogenic mutation, located in coding exon 36 of the ATM gene, results from a deletion of one nucleotide at nucleotide position 5549, causing a translational frameshift with a predicted alternate stop codon (p.L1850Yfs*67). This alteration has been reported in multiple individuals with Ataxia-Telangiectasia (Sandoval N et al, Hum. Mol. Genet. 1999 Jan; 8(1):69-79; Castellv&iacute;-Bel S et al, Hum. Mutat. 1999; 14(2):156-62; Li A et al, Am. J. Med. Genet. 2000 May; 92(3):170-7; Maciejczyk M et al. Front Immunol, 2019 Sep;10:2322). Additionally, this alteration has been identified in individuals diagnosed with ovarian and pancreatic cancer (Carter NJ et al. Gynecol Oncol, 2018 12;151:481-488; Hu C et al. JCO Precis Oncol, 2018 Jul;2:). This variant was also reported in 1/60,466 breast cancer cases and in 0/53,461 controls (Dorling et al. N Engl J Med. 2021 02;384:428-439). In addition to the clinical data presented in the literature, this alteration is expected to result in loss of function by premature protein truncation or nonsense-mediated mRNA decay. As such, this alteration is interpreted as a disease-causing mutation.

Myriad Genetics, Inc.
Classification: Pathogenic for Familial cancer of breast. Last evaluated: 2024-01-25. Review status: criteria provided, single submitter. Criteria: Myriad Autosomal Dominant, Autosomal Recessive and X-Linked Classification Criteria (2023). Collection method: clinical testing. Allele origin: unknown.
Comment: This variant is considered pathogenic. This variant creates a frameshift predicted to result in premature protein truncation.

Baylor Genetics
Classification: Pathogenic for Familial cancer of breast. Last evaluated: 2024-01-20. Review status: criteria provided, single submitter. Criteria: ACMG Guidelines, 2015. Collection method: clinical testing. Allele origin: unknown.

GeneDx
Classification: Pathogenic. Last evaluated: 2020-01-30. Review status: criteria provided, single submitter. Criteria: GeneDx Variant Classification Process June 2021. Collection method: clinical testing. Allele origin: germline. Affected: yes.
Comment: Frameshift variant predicted to result in protein truncation or nonsense mediated decay in a gene for which loss-of-function is a known mechanism of disease; Observed in individuals with a personal or family history consistent with pathogenic variants in this gene (Carter 2018); Not observed in large population cohorts (Lek 2016); This variant is associated with the following publications: (PMID: 30322717, 10425038, 26556299, 16266405, 9887333, 10817650, 29625052, 26689913)

Color Diagnostics, LLC DBA Color Health
Classification: Pathogenic for Hereditary cancer-predisposing syndrome. Last evaluated: 2020-01-15. Review status: criteria provided, single submitter. Criteria: ACMG Guidelines, 2015. Collection method: clinical testing. Allele origin: germline.
Comment: This variant deletes 1 nucleotide in exon 37 of the ATM gene, creating a frameshift and premature translation stop signal. This variant is expected to result in an absent or non-functional protein product. This variant has not been identified in the general population by the Genome Aggregation Database (gnomAD). Loss of ATM function is a known mechanism of disease. Based on the available evidence, this variant is classified as Pathogenic.

Counsyl
Classification: Likely pathogenic for Ataxia-telangiectasia syndrome. Last evaluated: 2016-04-28. Review status: no assertion criteria provided. Collection method: clinical testing. Allele origin: unknown. Not counted in ClinVar's aggregate classification.

Literature cited by the submitters: PubMed 23807571 (cited by Labcorp Genetics (formerly Invitae), Labcorp); PubMed 25614872 (cited by Labcorp Genetics (formerly Invitae), Labcorp); PubMed 9887333 (cited by 3 submitters); PubMed 10817650 (cited by 3 submitters); PubMed 16266405 (cited by 3 submitters); PubMed 10425038 (cited by Ambry Genetics); PubMed 30322717 (cited by Ambry Genetics); PubMed 31497750 (cited by Ambry Genetics); PubMed 31611883 (cited by Ambry Genetics); PubMed 33471991 (cited by Ambry Genetics).